The following is an entry in ClinVar:

ClinVar aggregate classification (germline): Conflicting classifications of pathogenicity. Review status: criteria provided, conflicting classifications (1 of 4 stars). 6 submissions from 6 submitters: Uncertain significance (3); Benign (1); Likely benign (2). Last evaluated 2026-02-04.

Conditions:
Jeune thoracic dystrophy. Also called: Jeune syndrome; Infantile thoracic dystrophy; Thoracic pelvic phalangeal dystrophy; Jeune's syndrome; Chondroectodermal dysplasia-like syndrome; Short-rib thoracic dysplasia. Identifiers: Orphanet 474, MedGen C0265275, MONDO:0018770.
Asphyxiating thoracic dystrophy 3. Also called: SHORT-RIB THORACIC DYSPLASIA 3 WITH OR WITHOUT POLYDACTYLY; POLYDACTYLY WITH NEONATAL CHONDRODYSTROPHY, TYPE I; SHORT-RIB THORACIC DYSPLASIA 3/6 WITH POLYDACTYLY, DIGENIC; Short rib polydactyly syndrome 2B; Saldino-Noonan Syndrome. Identifiers: Orphanet 474, Orphanet 93269, Orphanet 93270, Orphanet 93271, MedGen C0036069, MONDO:0013127, OMIM 613091.

Allele frequency attached by ClinVar (database versions not stated): 1000 Genomes Project 0.00020; ExAC 0.00030; 1000 Genomes Project 30x 0.00031; ESP Exome Variant Server 0.00051; TOPMed 0.00051; gnomAD 0.00064.

Submissions (6):

Labcorp Genetics (formerly Invitae), Labcorp
Classification: Benign for Jeune thoracic dystrophy. Last evaluated: 2026-02-04. Review status: criteria provided, single submitter. Criteria: Invitae Variant Classification Sherloc (09022015). Collection method: clinical testing. Allele origin: germline.

GeneDx
Classification: Uncertain significance. Last evaluated: 2024-04-17. Review status: criteria provided, single submitter. Criteria: GeneDx Variant Classification Process June 2021. Collection method: clinical testing. Allele origin: germline. Affected: yes.
Comment: In silico analysis supports that this missense variant has a deleterious effect on protein structure/function; Has not been previously published as pathogenic or benign to our knowledge

Blueprint Genetics
Classification: Likely benign. Last evaluated: 2024-04-09. Review status: criteria provided, single submitter. Criteria: ACMG Guidelines, 2015. Collection method: clinical testing. Allele origin: germline.

Genetic Services Laboratory, University of Chicago
Classification: Uncertain significance. Last evaluated: 2018-08-24. Review status: criteria provided, single submitter. Criteria: ACMG Guidelines, 2015. Collection method: clinical testing. Allele origin: germline. Affected: no.

Illumina Laboratory Services, Illumina
Classification: Uncertain significance for Asphyxiating thoracic dystrophy 3. Last evaluated: 2018-01-12. Review status: criteria provided, single submitter. Criteria: ICSL Variant Classification Criteria 13 December 2019. Collection method: clinical testing. Allele origin: germline.

ARUP Laboratories, Molecular Genetics and Genomics, ARUP Laboratories
Classification: Likely benign. Last evaluated: 2016-08-24. Review status: criteria provided, single submitter. Criteria: ARUP Molecular Germline Variant Investigation Process. Collection method: clinical testing. Allele origin: germline.

NM_001377.3(DYNC2H1):c.5449A>G (p.Met1817Val)

Gene: DYNC2H1 (dynein cytoplasmic 2 heavy chain 1; plus strand). Cytogenetic location: 11q22.3.
Variant type: single nucleotide variant.
Coding change: c.5449A>G on transcript NM_001377.3 (MANE Select); coding-DNA position 5449, A replaced by G.
Protein change: p.Met1817Val; replaces methionine 1817 with valine.
Molecular consequence: missense variant.
Genome position (GRCh38, 1-based): chr11:103,173,196, A>G. VCF-style: chr11-103173196-A-G. GRCh37 (hg19) VCF-style: chr11-103043925-A-G.
Other names: c.5449A>G, p.Met1817Val (NM_001080463.2); short protein forms M1817V.
Identifiers: ClinVar variation 439628 (VCV000439628.26), dbSNP rs200208000, ClinGen allele CA6253763.